The following is an entry in ClinVar:

ClinVar aggregate classification (germline): Uncertain significance (1 of 4 stars; one submission).

Conditions:
Developmental and epileptic encephalopathy, 9 (DEE9). Also called: Early infantile epileptic encephalopathy 9; PCDH19-Related X-Linked Female-Limited Epilepsy with Mental Retardation; EPILEPSY, FEMALE-RESTRICTED, WITH MENTAL RETARDATION; JUBERG-HELLMAN SYNDROME. Identifiers: Orphanet 101039, Orphanet 2076, MedGen C1848137, MONDO:0010246, OMIM 300088. Disease mechanism: loss of function.

Submission:

Labcorp Genetics (formerly Invitae), Labcorp
Classification: Uncertain significance for Developmental and epileptic encephalopathy, 9. Last evaluated: 2023-04-13. Review status: criteria provided, single submitter. Criteria: Invitae Variant Classification Sherloc (09022015). Collection method: clinical testing. Allele origin: germline.
Comment: This sequence change replaces histidine, which is basic and polar, with aspartic acid, which is acidic and polar, at codon 847 of the PCDH19 protein (p.His847Asp). This variant is not present in population databases (gnomAD no frequency). This variant has not been reported in the literature in individuals affected with PCDH19-related conditions. Advanced modeling of protein sequence and biophysical properties (such as structural, functional, and spatial information, amino acid conservation, physicochemical variation, residue mobility, and thermodynamic stability) performed at Invitae indicates that this missense variant is not expected to disrupt PCDH19 protein function. In summary, the available evidence is currently insufficient to determine the role of this variant in disease. Therefore, it has been classified as a Variant of Uncertain Significance.

NM_001184880.2(PCDH19):c.2539C>G (p.His847Asp)

Genes: PCDH19 (protocadherin 19; minus strand), LOC125467768 (CDK7 strongly-dependent group 2 enhancer GRCh37_chrX:99657381-99658580; plus strand). Cytogenetic location: Xq22.1.
Variant type: single nucleotide variant.
Coding change: c.2539C>G on transcript NM_001184880.2 (MANE Select); coding-DNA position 2539, C replaced by G.
Protein change: p.His847Asp; replaces histidine 847 with aspartic acid.
Molecular consequence: missense variant.
Genome position (GRCh38, 1-based): chrX:100,402,601, G>C on the plus strand (C>G on the coding strand, the complement: PCDH19 is on the minus strand). VCF-style: chrX-100402601-G-C. GRCh37 (hg19) VCF-style: chrX-99657599-G-C.
Other names: c.2398C>G, p.His800Asp (NM_001105243.2, NM_020766.3); short protein forms H847D, H800D.
Identifiers: ClinVar variation 2849951 (VCV002849951.3), dbSNP rs2520955648, ClinGen allele CA414005514.